The following is an entry in ClinVar:

ClinVar aggregate classification (germline): Uncertain significance (1 of 4 stars; one submission).

Submission:

Labcorp Genetics (formerly Invitae), Labcorp
Classification: Uncertain significance. Last evaluated: 2022-05-13. Review status: criteria provided, single submitter. Criteria: Invitae Variant Classification Sherloc (09022015). Collection method: clinical testing. Allele origin: germline.
Comment: In summary, the available evidence is currently insufficient to determine the role of this variant in disease. Therefore, it has been classified as a Variant of Uncertain Significance. Variants that disrupt the consensus splice site are a relatively common cause of aberrant splicing (PMID: 17576681, 9536098). Algorithms developed to predict the effect of sequence changes on RNA splicing suggest that this variant may disrupt the consensus splice site. This sequence change falls in intron 20 of the LRP2 gene. It does not directly change the encoded amino acid sequence of the LRP2 protein. It affects a nucleotide within the consensus splice site. This variant is not present in population databases (gnomAD no frequency). This variant has not been reported in the literature in individuals affected with LRP2-related conditions.

Literature cited by the submitters: PubMed 17576681; PubMed 9536098.

NM_004525.3(LRP2):c.2909-3C>A

Gene: LRP2 (LDL receptor related protein 2; minus strand). Cytogenetic location: 2q31.1.
Variant type: single nucleotide variant.
Coding change: c.2909-3C>A on transcript NM_004525.3 (MANE Select); 3 bases into the intron before coding-DNA position 2909, C replaced by A.
Molecular consequence: intron variant.
Genome position (GRCh38, 1-based): chr2:169,246,989, G>T on the plus strand (C>A on the coding strand, the complement: LRP2 is on the minus strand). VCF-style: chr2-169246989-G-T. GRCh37 (hg19) VCF-style: chr2-170103499-G-T.
Identifiers: ClinVar variation 1994097 (VCV001994097.4), dbSNP rs753464941, ClinGen allele CA2580064480.